The following is an entry in ClinVar:

NM_002834.5(PTPN11):c.1516C>T (p.Gln506Ter)

Gene: PTPN11 (protein tyrosine phosphatase non-receptor type 11; plus strand). Cytogenetic location: 12q24.13.
Variant type: single nucleotide variant.
Coding change: c.1516C>T on transcript NM_002834.5 (MANE Select); coding-DNA position 1516, C replaced by T.
Protein change: p.Gln506Ter; replaces glutamine 506 with a stop codon.
Molecular consequence: nonsense.
Genome position (GRCh38, 1-based): chr12:112,489,092, C>T. VCF-style: chr12-112489092-C-T. GRCh37 (hg19) VCF-style: chr12-112926896-C-T.
Other names: c.1528C>T, p.Gln510Ter (NM_001330437.2); c.1513C>T, p.Gln505Ter (NM_001374625.1); short protein forms Q506*, Q510*, Q505*.
Identifiers: ClinVar variation 31550 (VCV000031550.2), dbSNP rs387907157, ClinGen allele CA129800.

ClinVar aggregate classification (germline): Pathogenic. Review status: criteria provided, single submitter (1 of 4 stars). 2 submissions from 2 submitters: Pathogenic (1). 1 of the submissions does not count toward it. Last evaluated 2025-12-23.

Conditions:
RASopathy. Also called: rasopathies; Noonan spectrum disorder. Identifiers: Orphanet 536391, MedGen C5555857, MONDO:0021060.
Metachondromatosis (METCDS). Identifiers: Orphanet 2499, MedGen C0410530, MONDO:0007979, OMIM 156250.

Submissions (2):

Labcorp Genetics (formerly Invitae), Labcorp
Classification: Pathogenic for RASopathy. Last evaluated: 2025-12-23. Review status: criteria provided, single submitter. Criteria: Invitae Variant Classification Sherloc (09022015). Collection method: clinical testing. Allele origin: germline.
Comment: This sequence change creates a premature translational stop signal (p.Gln506*) in the PTPN11 gene. It is expected to result in an absent or disrupted protein product. Loss-of-function variants in PTPN11 are known to be pathogenic (PMID: 20577567, 21533187). This variant is not present in population databases (gnomAD no frequency). This premature translational stop signal has been observed in individual(s) with metachondromatosis (PMID: 21533187). ClinVar contains an entry for this variant (Variation ID: 31550). For these reasons, this variant has been classified as Pathogenic.

OMIM
Classification: Pathogenic for METACHONDROMATOSIS. Last evaluated: 2011-04-01. Review status: no assertion criteria provided. Collection method: literature only. Allele origin: germline. Not counted in ClinVar's aggregate classification.

Literature cited by the submitters: PubMed 20577567 (cited by Labcorp Genetics (formerly Invitae), Labcorp); PubMed 21533187 (cited by Labcorp Genetics (formerly Invitae), Labcorp and OMIM).